The following is an entry in ClinVar:

ClinVar aggregate classification (germline): Uncertain significance (1 of 4 stars; one submission).

Conditions:
C3 glomerulonephritis. Also called: C3 GLOMERULOPATHY 3; Nephropathy due to CFHR5 Deficiency. Identifiers: Orphanet 329931, MedGen C4055342, MONDO:0013892, OMIM 614809.

gnomAD v4.1: 4 of 1,613,938 alleles (0.00025%); highest among the groups gnomAD compares: Non-Finnish European, 0.00034%; no homozygotes.

Submission:

Genomenon, Inc
Classification: Uncertain significance for C3 glomerulonephritis. Last evaluated: 2025-09-30. Review status: criteria provided, single submitter. Criteria: Genomenon Sequence Variant Interpretation Standards. Collection method: curation. Allele origin: germline. Affected: yes.
Comment: C3 p.Arg505Cys (c.1513C>T) is a missense variant that changes the amino acid at residue 505 from Arginine to Cysteine. This variant has been observed in at least one proband affected with C3 glomerulonephritis (PMID:26895476). It is absent or not present at a significant frequency in gnomAD. In silico models agree that this variant is not damaging. In conclusion, we classify C3 p.Arg505Cys (c.1513C>T) as a variant of unknown significance.

Literature cited by the submitters: PubMed 26895476.

NM_000064.4(C3):c.1513C>T (p.Arg505Cys)

Gene: C3 (complement C3; minus strand). Cytogenetic location: 19p13.3.
Variant type: single nucleotide variant.
Coding change: c.1513C>T on transcript NM_000064.4 (MANE Select); coding-DNA position 1513, C replaced by T.
Protein change: p.Arg505Cys; replaces arginine 505 with cysteine.
Molecular consequence: missense variant.
Genome position (GRCh38, 1-based): chr19:6,710,812, G>A on the plus strand (C>T on the coding strand, the complement: C3 is on the minus strand). VCF-style: chr19-6710812-G-A. GRCh37 (hg19) VCF-style: chr19-6710823-G-A.
Other names: short protein forms R505C.
Identifiers: ClinVar variation 4280289 (VCV004280289.1).